The following is an entry in ClinVar:

ClinVar aggregate classification (germline): Uncertain significance (1 of 4 stars; one submission).

Conditions:
Mitochondrial DNA depletion syndrome 9 (MTDPS9). Also called: SUCLG1-Related Mitochondrial DNA Depletion Syndrome, Encephalomyopathic Form with Methylmalonic Aciduria. Identifiers: Orphanet 17, MedGen C3151476, MONDO:0009504, OMIM 245400.

Allele frequency attached by ClinVar (database versions not stated): TOPMed below 0.00001; gnomAD exomes 0.00001.

Submission:

Labcorp Genetics (formerly Invitae), Labcorp
Classification: Uncertain significance for Mitochondrial DNA depletion syndrome 9. Last evaluated: 2022-10-25. Review status: criteria provided, single submitter. Criteria: Invitae Variant Classification Sherloc (09022015). Collection method: clinical testing. Allele origin: germline.
Comment: This sequence change replaces histidine, which is basic and polar, with tyrosine, which is neutral and polar, at codon 211 of the SUCLG1 protein (p.His211Tyr). This variant is not present in population databases (gnomAD no frequency). This variant has not been reported in the literature in individuals affected with SUCLG1-related conditions. Advanced modeling of protein sequence and biophysical properties (such as structural, functional, and spatial information, amino acid conservation, physicochemical variation, residue mobility, and thermodynamic stability) has been performed at Invitae for this missense variant, however the output from this modeling did not meet the statistical confidence thresholds required to predict the impact of this variant on SUCLG1 protein function. Algorithms developed to predict the effect of sequence changes on RNA splicing suggest that this variant may disrupt the consensus splice site. In summary, the available evidence is currently insufficient to determine the role of this variant in disease. Therefore, it has been classified as a Variant of Uncertain Significance.

NM_003849.4(SUCLG1):c.631C>T (p.His211Tyr)

Gene: SUCLG1 (succinate-CoA ligase GDP/ADP-forming subunit alpha; minus strand). Cytogenetic location: 2p11.2.
Variant type: single nucleotide variant.
Coding change: c.631C>T on transcript NM_003849.4 (MANE Select); coding-DNA position 631, C replaced by T.
Protein change: p.His211Tyr; replaces histidine 211 with tyrosine.
Molecular consequence: missense variant.
Genome position (GRCh38, 1-based): chr2:84,433,394, G>A on the plus strand (C>T on the coding strand, the complement: SUCLG1 is on the minus strand). VCF-style: chr2-84433394-G-A. GRCh37 (hg19) VCF-style: chr2-84660518-G-A.
Other names: short protein forms H211Y.
Identifiers: ClinVar variation 1898169 (VCV001898169.5), dbSNP rs1672638634, ClinGen allele CA347515309.